The following is an entry in ClinVar:

ClinVar aggregate classification (germline): Uncertain significance. Review status: criteria provided, multiple submitters, no conflicts (2 of 4 stars). 2 submissions from 2 submitters: Uncertain significance (2). Last evaluated 2025-04-06.

Conditions:
Familial thoracic aortic aneurysm and aortic dissection (TAAD). Also called: Thoracic aortic aneurysms and dissections. Identifiers: Orphanet 91387, MedGen C4707243, MONDO:0019625.

gnomAD v4.1: 7 of 1,609,958 alleles (0.00043%); highest among the groups gnomAD compares: Non-Finnish European, 0.0006%; no homozygotes.

Submissions (2):

Color Diagnostics, LLC DBA Color Health
Classification: Uncertain significance for Familial thoracic aortic aneurysm and aortic dissection. Last evaluated: 2025-04-06. Review status: criteria provided, single submitter. Criteria: ACMG Guidelines, 2015. Collection method: clinical testing. Allele origin: germline.
Comment: This missense variant replaces asparagine with serine at codon 1926 of the FBN1 protein. Computational prediction suggests that this variant may not impact protein structure and function. To our knowledge, functional studies have not been reported for this variant. This variant has been reported in an individual affected with hypertrophic cardiomyopathy (PMID: 30775854). This variant has not been identified in the general population by the Genome Aggregation Database (gnomAD). The available evidence is insufficient to determine the role of this variant in disease conclusively. Therefore, this variant is classified as a Variant of Uncertain Significance.

Blueprint Genetics
Classification: Uncertain significance. Last evaluated: 2021-08-18. Review status: criteria provided, single submitter. Criteria: ACMG Guidelines, 2015. Collection method: clinical testing. Allele origin: germline.

Literature cited by the submitters: PubMed 30775854 (cited by Color Diagnostics, LLC DBA Color Health).

NM_000138.5(FBN1):c.5777A>G (p.Asn1926Ser)

Gene: FBN1 (fibrillin 1; minus strand). Cytogenetic location: 15q21.1.
Variant type: single nucleotide variant.
Coding change: c.5777A>G on transcript NM_000138.5 (MANE Select); coding-DNA position 5777, A replaced by G.
Protein change: p.Asn1926Ser; replaces asparagine 1926 with serine.
Molecular consequence: missense variant.
Genome position (GRCh38, 1-based): chr15:48,446,717, T>C on the plus strand (A>G on the coding strand, the complement: FBN1 is on the minus strand). VCF-style: chr15-48446717-T-C. GRCh37 (hg19) VCF-style: chr15-48738914-T-C.
Other names: c.5777A>G, p.Asn1926Ser (NM_001406716.1); short protein forms N1926S.
Identifiers: ClinVar variation 3894408 (VCV003894408.2).